The following is an entry in ClinVar:

ClinVar aggregate classification (germline): Likely pathogenic (1 of 4 stars; one submission).

Allele frequency attached by ClinVar (database versions not stated): gnomAD exomes below 0.00001; TOPMed below 0.00001.
gnomAD v4.1: 2 of 1,607,214 alleles (0.00012%); highest among the groups gnomAD compares: Non-Finnish European, 0.00017%; no homozygotes.

Submission:

Labcorp Genetics (formerly Invitae), Labcorp
Classification: Likely pathogenic. Last evaluated: 2023-03-11. Review status: criteria provided, single submitter. Criteria: Invitae Variant Classification Sherloc (09022015). Collection method: clinical testing. Allele origin: germline.
Comment: In summary, the currently available evidence indicates that the variant is pathogenic, but additional data are needed to prove that conclusively. Therefore, this variant has been classified as Likely Pathogenic. Algorithms developed to predict the effect of sequence changes on RNA splicing suggest that this variant may disrupt the consensus splice site. This variant has not been reported in the literature in individuals affected with EIF2B1-related conditions. This variant is not present in population databases (gnomAD no frequency). This sequence change affects an acceptor splice site in intron 1 of the EIF2B1 gene. It is expected to disrupt RNA splicing. Variants that disrupt the donor or acceptor splice site typically lead to a loss of protein function (PMID: 16199547), and loss-of-function variants in EIF2B1 are known to be pathogenic (PMID: 11835386, 32865661).

Literature cited by the submitters: PubMed 16199547; PubMed 11835386; PubMed 32865661.

NM_001414.4(EIF2B1):c.14-2A>G

Gene: EIF2B1 (eukaryotic translation initiation factor 2B subunit alpha; minus strand). Cytogenetic location: 12q24.31.
Variant type: single nucleotide variant.
Coding change: c.14-2A>G on transcript NM_001414.4 (MANE Select); the canonical splice acceptor site of the intron before coding-DNA position 14, A replaced by G.
Molecular consequence: splice acceptor variant.
Genome position (GRCh38, 1-based): chr12:123,632,448, T>C on the plus strand (A>G on the coding strand, the complement: EIF2B1 is on the minus strand). VCF-style: chr12-123632448-T-C. GRCh37 (hg19) VCF-style: chr12-124116995-T-C.
Identifiers: ClinVar variation 2806849 (VCV002806849.3), dbSNP rs1468940369, ClinGen allele CA387147472.